The following is an entry in ClinVar:

ClinVar aggregate classification (germline): Likely benign. Review status: criteria provided, multiple submitters, no conflicts (2 of 4 stars). 3 submissions from 3 submitters: Likely benign (2). 1 of the submissions does not count toward it. Last evaluated 2021-05-21.

Conditions:
ARHGEF10-related disorder. Also called: ARHGEF10-related condition.

Allele frequency attached by ClinVar (database versions not stated): gnomAD 0.00002 and 0.00003; gnomAD exomes 0.00002; ExAC 0.00004; TOPMed 0.00008.
gnomAD v4.1: 39 of 1,614,100 alleles (0.0024%); highest among the groups gnomAD compares: Middle Eastern, 0.016%; 1 homozygote.

Submissions (3):

Labcorp Genetics (formerly Invitae), Labcorp
Classification: Likely benign. Last evaluated: 2021-05-21. Review status: criteria provided, single submitter. Criteria: Invitae Variant Classification Sherloc (09022015). Collection method: clinical testing. Allele origin: germline.

Breakthrough Genomics
Classification: Likely benign. Review status: criteria provided, single submitter. Criteria: ACMG Guidelines, 2015. Collection method: not provided. Allele origin: germline. Inheritance: Autosomal dominant inheritance. Affected: yes.

PreventionGenetics, part of Exact Sciences
Classification: Likely benign for ARHGEF10-related condition. Last evaluated: 2019-06-05. Review status: no assertion criteria provided. Collection method: clinical testing. Allele origin: germline. Not counted in ClinVar's aggregate classification.
Comment: This variant is classified as likely benign based on ACMG/AMP sequence variant interpretation guidelines (Richards et al. 2015 PMID: 25741868, with internal and published modifications).

NM_014629.4(ARHGEF10):c.3570C>T (p.Ile1190=)

Gene: ARHGEF10 (Rho guanine nucleotide exchange factor 10; plus strand). Cytogenetic location: 8p23.3.
Variant type: single nucleotide variant.
Coding change: c.3570C>T on transcript NM_014629.4 (MANE Select); coding-DNA position 3570, C replaced by T.
Protein change: p.Ile1190=; no amino-acid change (isoleucine 1190 retained).
Molecular consequence: synonymous variant.
Genome position (GRCh38, 1-based): chr8:1,956,798, C>T. VCF-style: chr8-1956798-C-T. GRCh37 (hg19) VCF-style: chr8-1904964-C-T.
Other names: c.3456C>T, p.Ile1152= (NM_001308152.2); c.3570C>T, p.Ile1190= (NM_001308153.3).
Identifiers: ClinVar variation 1631083 (VCV001631083.11), dbSNP rs750357141, ClinGen allele CA4601427.
Genomic context (GRCh38, chr8:1,956,798, plus strand): 5'-TCCCTTTTCAGGAAGAGGCATGGTCTCCTACCATGCACACAACAGTCCTGTCAAATTCAT[C>T]GTCCTGGCCACGGCTCTGCACGAGAAAGACAAGGACAAATCCAGGGACAGCCTGGCTCCT-3'
Protein context (NP_055444.2, residues 1180-1200): YHAHNSPVKF[Ile1190=]VLATALHEKD